The following is an entry in ClinVar:

ClinVar aggregate classification (germline): Uncertain significance (1 of 4 stars; one submission).

Allele frequency attached by ClinVar (database versions not stated): gnomAD exomes 0.00001; TOPMed 0.00001.
gnomAD v4.1: 12 of 1,614,214 alleles (0.00074%); highest among the groups gnomAD compares: Admixed American, 0.0033%; no homozygotes.

Submission:

Labcorp Genetics (formerly Invitae), Labcorp
Classification: Uncertain significance. Last evaluated: 2022-05-05. Review status: criteria provided, single submitter. Criteria: Invitae Variant Classification Sherloc (09022015). Collection method: clinical testing. Allele origin: germline.
Comment: In summary, the available evidence is currently insufficient to determine the role of this variant in disease. Therefore, it has been classified as a Variant of Uncertain Significance. Algorithms developed to predict the effect of missense changes on protein structure and function output the following: SIFT: "Not Available"; PolyPhen-2: "Benign"; Align-GVGD: "Not Available". The arginine amino acid residue is found in multiple mammalian species, which suggests that this missense change does not adversely affect protein function. This variant has not been reported in the literature in individuals affected with CEP250-related conditions. This variant is present in population databases (no rsID available, gnomAD 0.006%). This sequence change replaces lysine, which is basic and polar, with arginine, which is basic and polar, at codon 2265 of the CEP250 protein (p.Lys2265Arg).

NM_007186.6(CEP250):c.6794A>G (p.Lys2265Arg)

Gene: CEP250 (centrosomal protein 250; plus strand). Cytogenetic location: 20q11.22.
Variant type: single nucleotide variant.
Coding change: c.6794A>G on transcript NM_007186.6 (MANE Select); coding-DNA position 6794, A replaced by G.
Protein change: p.Lys2265Arg; replaces lysine 2265 with arginine.
Molecular consequence: missense variant.
Genome position (GRCh38, 1-based): chr20:35,508,078, A>G. VCF-style: chr20-35508078-A-G. GRCh37 (hg19) VCF-style: chr20-34095907-A-G.
Other names: c.4898A>G, p.Lys1633Arg (NM_001318219.1); short protein forms K1633R, K2265R.
Identifiers: ClinVar variation 1922231 (VCV001922231.5), dbSNP rs1295812047, ClinGen allele CA408759869.